The following is an entry in ClinVar:

NM_024675.4(PALB2):c.3148C>T (p.His1050Tyr)

Gene: PALB2 (partner and localizer of BRCA2; minus strand). Cytogenetic location: 16p12.2.
Variant type: single nucleotide variant.
Coding change: c.3148C>T on transcript NM_024675.4 (MANE Select); coding-DNA position 3148, C replaced by T.
Protein change: p.His1050Tyr; replaces histidine 1050 with tyrosine.
Molecular consequence: missense variant.
Genome position (GRCh38, 1-based): chr16:23,614,057, G>A on the plus strand (C>T on the coding strand, the complement: PALB2 is on the minus strand). VCF-style: chr16-23614057-G-A. GRCh37 (hg19) VCF-style: chr16-23625378-G-A.
Other names: c.3148C>T (NM_024675.3); short protein forms H1050Y.
Identifiers: ClinVar variation 1481678 (VCV001481678.10), dbSNP rs2142299692, ClinGen allele CA395141333.

ClinVar aggregate classification (germline): Uncertain significance. Review status: criteria provided, multiple submitters, no conflicts (2 of 4 stars). 2 submissions from 2 submitters: Uncertain significance (2). Last evaluated 2023-11-14.

Conditions:
Familial cancer of breast. Also called: hereditary breast carcinoma; Hereditary breast cancer; BREAST CANCER, FAMILIAL. Identifiers: Orphanet 227535, MedGen C0346153, MONDO:0016419, OMIM 114480. Disease mechanism: loss of function.

Submissions (2):

Quest Diagnostics Nichols Institute San Juan Capistrano
Classification: Uncertain significance. Last evaluated: 2023-11-14. Review status: criteria provided, single submitter. Criteria: Quest Diagnostics criteria. Collection method: clinical testing. Allele origin: unknown.
Comment: The PALB2 c.3148C>T (p.His1050Tyr) variant has not been reported in individuals with PALB2-related conditions in the published literature. It also has not been reported in large, multi-ethnic general populations (Genome Aggregation Database). Analysis of this variant using bioinformatics tools for the prediction of the effect of amino acid changes on protein structure and function yielded predictions that this variant is benign. Based on the available information, we are unable to determine the clinical significance of this variant.

Labcorp Genetics (formerly Invitae), Labcorp
Classification: Uncertain significance for Familial cancer of breast. Last evaluated: 2021-06-06. Review status: criteria provided, single submitter. Criteria: Invitae Variant Classification Sherloc (09022015). Collection method: clinical testing. Allele origin: germline.
Comment: This sequence change replaces histidine with tyrosine at codon 1050 of the PALB2 protein (p.His1050Tyr). The histidine residue is moderately conserved and there is a moderate physicochemical difference between histidine and tyrosine. This variant is not present in population databases (ExAC no frequency). This variant has not been reported in the literature in individuals with PALB2-related conditions. Algorithms developed to predict the effect of missense changes on protein structure and function (SIFT, PolyPhen-2, Align-GVGD) all suggest that this variant is likely to be tolerated, but these predictions have not been confirmed by published functional studies and their clinical significance is uncertain. In summary, the available evidence is currently insufficient to determine the role of this variant in disease. Therefore, it has been classified as a Variant of Uncertain Significance.